The following is an entry in ClinVar:

NM_022132.5(MCCC2):c.1216+1G>A

Gene: MCCC2 (methylcrotonyl-CoA carboxylase subunit 2; plus strand). Cytogenetic location: 5q13.2.
Variant type: single nucleotide variant.
Coding change: c.1216+1G>A on transcript NM_022132.5 (MANE Select); the canonical splice donor site of the intron after coding-DNA position 1216, G replaced by A.
Molecular consequence: splice donor variant.
Genome position (GRCh38, 1-based): chr5:71,646,278, G>A. VCF-style: chr5-71646278-G-A. GRCh37 (hg19) VCF-style: chr5-70942105-G-A.
Other names: c.1102+1G>A (NM_001363147.1); c.1216+1G>A (NM_022132.4).
Identifiers: ClinVar variation 2676488 (VCV002676488.3), dbSNP rs2530853519, ClinGen allele CA359994749.

ClinVar aggregate classification (germline): Likely pathogenic. Review status: criteria provided, multiple submitters, no conflicts (2 of 4 stars). 2 submissions from 2 submitters: Likely pathogenic (2). Last evaluated 2025-01-22.

Conditions:
3-methylcrotonyl-CoA carboxylase 2 deficiency. Also called: METHYLCROTONYLGLYCINURIA, TYPE II; 3 alpha methylcrotonyl-CoA carboxylase 2 deficiency; 3 alpha methylcrotonylglycinuria 2; MCC 2 deficiency; Methylcrotonylglycinuria type 2. Identifiers: Orphanet 6, MedGen C1859499, MONDO:0008862, OMIM 210210.

Submissions (2):

Natera, Inc.
Classification: Likely pathogenic for 3-methylcrotonyl-CoA carboxylase 2 deficiency. Last evaluated: 2025-01-22. Review status: criteria provided, single submitter. Criteria: Natera Variant Classification Schema (03/2026). Collection method: clinical testing. Allele origin: germline.
Comment: The c.1216+1G>A variant in MCCC2 is a canonical splice donor site variant predicted to affect pre-mRNA splicing, which may result in an abnormal transcript and altered protein product. This variant is expected to result in nonsense mediated decay, truncation, or a dysfunctional protein product. This variant is rare in the general population with a frequency below the threshold expected for the associated phenotype(s). Given the available evidence, this variant is classified as Likely Pathogenic.

Baylor Genetics
Classification: Likely pathogenic for 3-methylcrotonyl-CoA carboxylase 2 deficiency. Last evaluated: 2023-05-06. Review status: criteria provided, single submitter. Criteria: ACMG Guidelines, 2015. Collection method: clinical testing. Allele origin: unknown.